The following is an entry in ClinVar:

NM_002334.4(LRP4):c.820C>G (p.Gln274Glu)

Gene: LRP4 (LDL receptor related protein 4; minus strand). Cytogenetic location: 11p11.2.
Variant type: single nucleotide variant.
Coding change: c.820C>G on transcript NM_002334.4 (MANE Select); coding-DNA position 820, C replaced by G.
Protein change: p.Gln274Glu; replaces glutamine 274 with glutamic acid.
Molecular consequence: missense variant.
Genome position (GRCh38, 1-based): chr11:46,896,971, G>C on the plus strand (C>G on the coding strand, the complement: LRP4 is on the minus strand). VCF-style: chr11-46896971-G-C. GRCh37 (hg19) VCF-style: chr11-46918522-G-C.
Other names: c.820C>G (NM_002334.3); short protein forms Q274E.
Identifiers: ClinVar variation 1918069 (VCV001918069.8), dbSNP rs372468767, ClinGen allele CA5970358.
Genomic context (GRCh38, chr11:46,896,971, plus strand): 5'-CGTCCTCCCCATCACAGCGCCAGGACAGGCGGACACAGCGGCCTGAGTGACAGCGGAACT[G>C]TTCTGCCGTACACATGGAGGTGGCTGGGCAAAGCAAAGGCTTAATGAAAGGTGGGCCCCA-3'
Protein context (NP_002325.2, residues 264-284): NCTTSMCTAE[Gln274Glu]FRCHSGRCVR

ClinVar aggregate classification (germline): Uncertain significance. Review status: criteria provided, multiple submitters, no conflicts (2 of 4 stars). 4 submissions from 4 submitters: Uncertain significance (3). 1 of the submissions does not count toward it. Last evaluated 2025-07-01.

Conditions:
Inborn genetic diseases. Identifiers: MedGen C0950123, MeSH D030342.
Cenani-Lenz syndactyly syndrome. Also called: CENANI SYNDACTYLISM; SYNDACTYLY, TYPE VII. Identifiers: Orphanet 3258, MedGen C1859309, MONDO:0008931, OMIM 212780.
Congenital myasthenic syndrome 17. Identifiers: Orphanet 590, MedGen C4225377, MONDO:0014578, OMIM 616304.
Sclerosteosis 2 (SOST2). Identifiers: Orphanet 3152, MedGen C3280402, MONDO:0013679, OMIM 614305.
LRP4-related disorder. Also called: LRP4-related condition.

Allele frequency attached by ClinVar (database versions not stated): ExAC 0.00005; TOPMed 0.00006; gnomAD 0.00007; ESP Exome Variant Server 0.00008.
gnomAD v4.1: 98 of 1,614,086 alleles (0.0061%); highest among the groups gnomAD compares: Non-Finnish European, 0.0079%; no homozygotes.

Submissions (4):

Ambry Genetics
Classification: Uncertain significance for Inborn genetic diseases. Last evaluated: 2025-07-01. Review status: criteria provided, single submitter. Criteria: Ambry Variant Classification Scheme 2023. Collection method: clinical testing. Allele origin: germline.

Fulgent Genetics
Classification: Uncertain significance for Cenani-Lenz syndactyly syndrome; Sclerosteosis 2; Congenital myasthenic syndrome 17. Last evaluated: 2024-04-18. Review status: criteria provided, single submitter. Criteria: ACMG Guidelines, 2015. Collection method: clinical testing. Allele origin: germline.

Labcorp Genetics (formerly Invitae), Labcorp
Classification: Uncertain significance for Cenani-Lenz syndactyly syndrome; Sclerosteosis 2; Congenital myasthenic syndrome 17. Last evaluated: 2022-03-23. Review status: criteria provided, single submitter. Criteria: Invitae Variant Classification Sherloc (09022015). Collection method: clinical testing. Allele origin: germline.
Comment: This sequence change replaces glutamine, which is neutral and polar, with glutamic acid, which is acidic and polar, at codon 274 of the LRP4 protein (p.Gln274Glu). This variant is present in population databases (rs372468767, gnomAD 0.008%). This variant has not been reported in the literature in individuals affected with LRP4-related conditions. Algorithms developed to predict the effect of missense changes on protein structure and function are either unavailable or do not agree on the potential impact of this missense change (SIFT: "Deleterious"; PolyPhen-2: "Benign"; Align-GVGD: "Class C0"). In summary, the available evidence is currently insufficient to determine the role of this variant in disease. Therefore, it has been classified as a Variant of Uncertain Significance.

PreventionGenetics, part of Exact Sciences
Classification: Uncertain significance for LRP4-related condition. Last evaluated: 2024-01-17. Review status: no assertion criteria provided. Collection method: clinical testing. Allele origin: germline. Not counted in ClinVar's aggregate classification.
Comment: The LRP4 c.820C>G variant is predicted to result in the amino acid substitution p.Gln274Glu. To our knowledge, this variant has not been reported in the literature. This variant is reported in 0.0085% of alleles in individuals of European (Non-Finnish) descent in gnomAD. At this time, the clinical significance of this variant is uncertain due to the absence of conclusive functional and genetic evidence.